The following is an entry in ClinVar:

ClinVar aggregate classification (germline): Likely benign (1 of 4 stars; one submission).

Allele frequency attached by ClinVar (database versions not stated): gnomAD exomes below 0.00001.
gnomAD v4.1: 1 of 1,612,260 alleles (0.000062%); highest among the groups gnomAD compares: South Asian, 0.0011%; no homozygotes.

Submission:

Laboratory for Molecular Medicine, Mass General Brigham Personalized Medicine
Classification: Likely benign. Last evaluated: 2012-03-05. Review status: criteria provided, single submitter. Criteria: LMM Criteria. Collection method: clinical testing. Allele origin: germline. Observed: 1 variant allele.
Comment: Leu12634Leu in exon 195 of TTN: This variant is not expected to have clinical si gnificance because it does not alter an amino acid residue and is not located wi thin the splice consensus sequence. Leu12634Leu in exon 195 of TTN (allele freq uency = n/a)

NM_001267550.2(TTN):c.45606G>A (p.Leu15202=)

Genes: TTN (titin; minus strand), LOC126806427 (BRD4-independent group 4 enhancer GRCh37_chr2:179485777-179486976; plus strand). Cytogenetic location: 2q31.2.
Variant type: single nucleotide variant.
Coding change: c.45606G>A on transcript NM_001267550.2 (MANE Select); coding-DNA position 45606, G replaced by A.
Protein change: p.Leu15202=; no amino-acid change (leucine 15202 retained).
Molecular consequence: synonymous variant.
Genome position (GRCh38, 1-based): chr2:178,621,112, C>T on the plus strand (G>A on the coding strand, the complement: TTN is on the minus strand). VCF-style: chr2-178621112-C-T. GRCh37 (hg19) VCF-style: chr2-179485839-C-T.
Other names: c.37902G>A, p.Leu12634= (NM_133378.4); c.40683G>A, p.Leu13561= (NM_001256850.1); c.18411G>A, p.Leu6137= (NM_003319.4); c.18786G>A, p.Leu6262= (NM_133432.3); c.18987G>A, p.Leu6329= (NM_133437.4).
Identifiers: ClinVar variation 46992 (VCV000046992.5), dbSNP rs397517581, ClinGen allele CA139709.